The following is an entry in ClinVar:

ClinVar aggregate classification (germline): Uncertain significance. Review status: criteria provided, multiple submitters, no conflicts (2 of 4 stars). 4 submissions from 3 submitters: Uncertain significance (4). Last evaluated 2025-01-05.

Conditions:
Familial hemiplegic migraine. Identifiers: MedGen C0338484, MONDO:0000700.
ATP1A2-related disorder. Also called: ATP1A2-related condition; ATP1A2-RELATED DISORDERS.
Migraine, familial hemiplegic, 2. Identifiers: Orphanet 569, MedGen C1865322, MONDO:0011232, OMIM 602481.
Alternating hemiplegia of childhood 1 (AHC1). Identifiers: Orphanet 2131, MedGen C3549447, MONDO:0007087, OMIM 104290.

Allele frequency attached by ClinVar (database versions not stated): gnomAD exomes 0.00001.
gnomAD v4.1: 6 of 1,614,058 alleles (0.00037%); highest among the groups gnomAD compares: Non-Finnish European, 0.00051%; no homozygotes.

Submissions (4):

PreventionGenetics, part of Exact Sciences
Classification: Uncertain significance for ATP1A2-related condition. Last evaluated: 2025-01-05. Review status: criteria provided, single submitter. Criteria: ACMG Guidelines, 2015. Collection method: clinical testing. Allele origin: germline.
Comment: The ATP1A2 c.2014T>A variant is predicted to result in the amino acid substitution p.Ser672Thr. To our knowledge, this variant has not been reported in the literature or in a large population database (gnomAD), indicating this variant is rare. At this time, the clinical significance of this variant is uncertain due to the absence of conclusive functional and genetic evidence.

Labcorp Genetics (formerly Invitae), Labcorp
Classification: Uncertain significance for Familial hemiplegic migraine. Last evaluated: 2023-11-28. Review status: criteria provided, single submitter. Criteria: Invitae Variant Classification Sherloc (09022015). Collection method: clinical testing. Allele origin: germline.
Comment: This sequence change replaces serine, which is neutral and polar, with threonine, which is neutral and polar, at codon 672 of the ATP1A2 protein (p.Ser672Thr). This variant is not present in population databases (gnomAD no frequency). This variant has not been reported in the literature in individuals affected with ATP1A2-related conditions. ClinVar contains an entry for this variant (Variation ID: 873804). Advanced modeling of protein sequence and biophysical properties (such as structural, functional, and spatial information, amino acid conservation, physicochemical variation, residue mobility, and thermodynamic stability) performed at Invitae indicates that this missense variant is not expected to disrupt ATP1A2 protein function with a negative predictive value of 80%. In summary, the available evidence is currently insufficient to determine the role of this variant in disease. Therefore, it has been classified as a Variant of Uncertain Significance.

Illumina Laboratory Services, Illumina
Classification: Uncertain significance for Alternating hemiplegia of childhood 1. Last evaluated: 2018-01-13. Review status: criteria provided, single submitter. Criteria: ICSL Variant Classification Criteria 13 December 2019. Collection method: clinical testing. Allele origin: germline.

Illumina Laboratory Services, Illumina
Classification: Uncertain significance for Migraine, familial hemiplegic, 2. Last evaluated: 2018-01-13. Review status: criteria provided, single submitter. Criteria: ICSL Variant Classification Criteria 13 December 2019. Collection method: clinical testing. Allele origin: germline.

NM_000702.4(ATP1A2):c.2014T>A (p.Ser672Thr)

Gene: ATP1A2 (ATPase Na+/K+ transporting subunit alpha 2; plus strand). Cytogenetic location: 1q23.2.
Variant type: single nucleotide variant.
Coding change: c.2014T>A on transcript NM_000702.4 (MANE Select); coding-DNA position 2014, T replaced by A.
Protein change: p.Ser672Thr; replaces serine 672 with threonine.
Molecular consequence: missense variant.
Genome position (GRCh38, 1-based): chr1:160,135,194, T>A. VCF-style: chr1-160135194-T-A. GRCh37 (hg19) VCF-style: chr1-160104984-T-A.
Other names: short protein forms S672T.
Identifiers: ClinVar variation 873804 (VCV000873804.8), dbSNP rs1651897433, ClinGen allele CA343248556.
Genomic context (GRCh38, chr1:160,135,194, plus strand): 5'-CCACCCTCCAGAGAAGCCAAGGCATGCGTGGTGCACGGCTCTGACCTGAAGGACATGACA[T>A]CGGAGCAGCTCGATGAGATCCTCAAGAACCACACAGAGATCGTCTTTGCTCGAACGTCTC-3'
Protein context (NP_000693.1, residues 662-682): VHGSDLKDMT[Ser672Thr]EQLDEILKNH